The following is an entry in ClinVar:

NM_018136.5(ASPM):c.9037G>A (p.Ala3013Thr)

Gene: ASPM (assembly factor for spindle microtubules; minus strand). Cytogenetic location: 1q31.3.
Variant type: single nucleotide variant.
Coding change: c.9037G>A on transcript NM_018136.5 (MANE Select); coding-DNA position 9037, G replaced by A.
Protein change: p.Ala3013Thr; replaces alanine 3013 with threonine.
Molecular consequence: missense variant.
Genome position (GRCh38, 1-based): chr1:197,094,131, C>T on the plus strand (G>A on the coding strand, the complement: ASPM is on the minus strand). VCF-style: chr1-197094131-C-T. GRCh37 (hg19) VCF-style: chr1-197063261-C-T.
Other names: c.4282G>A, p.Ala1428Thr (NM_001206846.2); c.9037G>A (NM_018136.4); short protein forms A3013T, A1428T.
Identifiers: ClinVar variation 1953603 (VCV001953603.6), dbSNP rs1421618284, ClinGen allele CA344009095.

ClinVar aggregate classification (germline): Uncertain significance. Review status: criteria provided, multiple submitters, no conflicts (2 of 4 stars). 2 submissions from 2 submitters: Uncertain significance (2). Last evaluated 2025-08-21.

Conditions:
Inborn genetic diseases. Identifiers: MedGen C0950123, MeSH D030342.

Allele frequency attached by ClinVar (database versions not stated): gnomAD exomes below 0.00001.
gnomAD v4.1: 1 of 1,607,808 alleles (0.000062%); highest among the groups gnomAD compares: Admixed American, 0.0017%; no homozygotes.

Submissions (2):

Ambry Genetics
Classification: Uncertain significance for Inborn genetic diseases. Last evaluated: 2025-08-21. Review status: criteria provided, single submitter. Criteria: Ambry Variant Classification Scheme 2023. Collection method: clinical testing. Allele origin: germline.

Labcorp Genetics (formerly Invitae), Labcorp
Classification: Uncertain significance. Last evaluated: 2022-11-08. Review status: criteria provided, single submitter. Criteria: Invitae Variant Classification Sherloc (09022015). Collection method: clinical testing. Allele origin: germline.
Comment: In summary, the available evidence is currently insufficient to determine the role of this variant in disease. Therefore, it has been classified as a Variant of Uncertain Significance. Algorithms developed to predict the effect of missense changes on protein structure and function are either unavailable or do not agree on the potential impact of this missense change (SIFT: "Deleterious"; PolyPhen-2: "Benign"; Align-GVGD: "Class C0"). This variant has not been reported in the literature in individuals affected with ASPM-related conditions. This variant is present in population databases (no rsID available, gnomAD 0.003%). This sequence change replaces alanine, which is neutral and non-polar, with threonine, which is neutral and polar, at codon 3013 of the ASPM protein (p.Ala3013Thr).